The following is an entry in ClinVar:

ClinVar aggregate classification (germline): Likely benign. Review status: criteria provided, multiple submitters, no conflicts (2 of 4 stars). 3 submissions from 3 submitters: Likely benign (2). 1 of the submissions does not count toward it. Last evaluated 2025-12-01.

Conditions:
ITPR1-related disorder. Also called: ITPR1-related condition.

Allele frequency attached by ClinVar (database versions not stated): gnomAD exomes 0.00005 and 0.00010; ExAC 0.00007; 1000 Genomes Project 30x 0.00016; 1000 Genomes Project 0.00020; ESP Exome Variant Server 0.00040; gnomAD 0.00043 and 0.00050; TOPMed 0.00054.
gnomAD v4.1: 137 of 1,610,988 alleles (0.0085%); highest among the groups gnomAD compares: African/African-American, 0.15%; no homozygotes.

Submissions (3):

Labcorp Genetics (formerly Invitae), Labcorp
Classification: Likely benign. Last evaluated: 2025-12-01. Review status: criteria provided, single submitter. Criteria: Invitae Variant Classification Sherloc (09022015). Collection method: clinical testing. Allele origin: germline.

Breakthrough Genomics
Classification: Likely benign. Review status: criteria provided, single submitter. Criteria: ACMG Guidelines, 2015. Collection method: not provided. Allele origin: germline. Inheritance: Autosomal dominant inheritance. Affected: yes.

PreventionGenetics, part of Exact Sciences
Classification: Likely benign for ITPR1-related condition. Last evaluated: 2024-01-03. Review status: no assertion criteria provided. Collection method: clinical testing. Allele origin: germline. Not counted in ClinVar's aggregate classification.
Comment: This variant is classified as likely benign based on ACMG/AMP sequence variant interpretation guidelines (Richards et al. 2015 PMID: 25741868, with internal and published modifications).

NM_001378452.1(ITPR1):c.5544+10C>T

Gene: ITPR1 (inositol 1,4,5-trisphosphate receptor type 1; plus strand). Cytogenetic location: 3p26.1.
Variant type: single nucleotide variant.
Coding change: c.5544+10C>T on transcript NM_001378452.1 (MANE Select); 10 bases into the intron after coding-DNA position 5544, C replaced by T.
Molecular consequence: intron variant.
Genome position (GRCh38, 1-based): chr3:4,735,364, C>T. VCF-style: chr3-4735364-C-T. GRCh37 (hg19) VCF-style: chr3-4777048-C-T.
Other names: c.5400+10C>T (NM_001099952.4); c.5499+10C>T (NM_001168272.2); c.5355+10C>T (NM_002222.7).
Identifiers: ClinVar variation 790524 (VCV000790524.11), dbSNP rs191829356, ClinGen allele CA2232352.